The following is an entry in ClinVar:

NM_000138.5(FBN1):c.734A>C (p.Gln245Pro)

Gene: FBN1 (fibrillin 1; minus strand). Cytogenetic location: 15q21.1.
Variant type: single nucleotide variant.
Coding change: c.734A>C on transcript NM_000138.5 (MANE Select); coding-DNA position 734, A replaced by C.
Protein change: p.Gln245Pro; replaces glutamine 245 with proline.
Molecular consequence: missense variant.
Genome position (GRCh38, 1-based): chr15:48,537,613, T>G on the plus strand (A>C on the coding strand, the complement: FBN1 is on the minus strand). VCF-style: chr15-48537613-T-G. GRCh37 (hg19) VCF-style: chr15-48829810-T-G.
Other names: c.734A>C, p.Gln245Pro (NM_001406716.1, NM_001406717.1); short protein forms Q245P.
Identifiers: ClinVar variation 1924117 (VCV001924117.5), dbSNP rs2505661078, ClinGen allele CA392445784.

ClinVar aggregate classification (germline): Uncertain significance (1 of 4 stars; one submission).

Conditions:
Familial thoracic aortic aneurysm and aortic dissection (TAAD). Also called: Thoracic aortic aneurysms and dissections. Identifiers: Orphanet 91387, MedGen C4707243, MONDO:0019625.
Marfan syndrome (MFS). Also called: MARFAN SYNDROME, TYPE I; Marfan syndrome type 1; Marfan's syndrome; Marfan syndrome, classic; FBN1-Related Marfan Syndrome. Identifiers: Orphanet 284963, Orphanet 558, MedGen C0024796, MONDO:0007947, OMIM 154700.

Submission:

Labcorp Genetics (formerly Invitae), Labcorp
Classification: Uncertain significance for Marfan syndrome; Familial thoracic aortic aneurysm and aortic dissection. Last evaluated: 2022-01-16. Review status: criteria provided, single submitter. Criteria: Invitae Variant Classification Sherloc (09022015). Collection method: clinical testing. Allele origin: germline.
Comment: In summary, the available evidence is currently insufficient to determine the role of this variant in disease. Therefore, it has been classified as a Variant of Uncertain Significance. Algorithms developed to predict the effect of missense changes on protein structure and function are either unavailable or do not agree on the potential impact of this missense change (SIFT: "Deleterious"; PolyPhen-2: "Probably Damaging"; Align-GVGD: "Class C0"). This missense change has been observed in individual(s) with clinical features of FBN1-related conditions (Invitae). This variant is not present in population databases (gnomAD no frequency). This sequence change replaces glutamine, which is neutral and polar, with proline, which is neutral and non-polar, at codon 245 of the FBN1 protein (p.Gln245Pro).